The following is an entry in ClinVar:

NM_001244008.2(KIF1A):c.65G>A (p.Arg22His)

Gene: KIF1A (kinesin family member 1A; minus strand). Cytogenetic location: 2q37.3.
Variant type: single nucleotide variant.
Coding change: c.65G>A on transcript NM_001244008.2 (MANE Select); coding-DNA position 65, G replaced by A.
Protein change: p.Arg22His; replaces arginine 22 with histidine.
Molecular consequence: missense variant.
Genome position (GRCh38, 1-based): chr2:240,797,688, C>T on the plus strand (G>A on the coding strand, the complement: KIF1A is on the minus strand). VCF-style: chr2-240797688-C-T. GRCh37 (hg19) VCF-style: chr2-241737105-C-T.
Other names: c.65G>A (NM_001244008.1); c.65G>A, p.Arg22His (NM_001320705.2, NM_001330289.2, NM_001330290.2 and 20 more transcripts); short protein forms R22H.
Identifiers: ClinVar variation 662604 (VCV000662604.12), dbSNP rs761521912, ClinGen allele CA2208918.

ClinVar aggregate classification (germline): Uncertain significance. Review status: criteria provided, multiple submitters, no conflicts (2 of 4 stars). 2 submissions from 2 submitters: Uncertain significance (2). Last evaluated 2025-12-30.

Conditions:
KIF1A-related disorder. Also called: KIF1A-related disorders; KIF1A-related condition.
Neuropathy, hereditary sensory, type 2C. Also called: Hereditary sensory and autonomic neuropathy type IIC; KIF1A-Related HSAN2 (HSAN2C). Identifiers: Orphanet 970, MedGen C3280168, MONDO:0013634, OMIM 614213.
Hereditary spastic paraplegia 30. Identifiers: Orphanet 101010, MedGen C5235139, MONDO:0012476.
Intellectual disability, autosomal dominant 9 (NESCAVS). Also called: KIF1A-Related Neurodevelopmental Disorder; NESCAV SYNDROME. Identifiers: Orphanet 662367, MedGen C5393830, MONDO:0013656, OMIM 614255.

Allele frequency attached by ClinVar (database versions not stated): gnomAD exomes below 0.00001 and 0.00001; ExAC 0.00001; gnomAD 0.00001; TOPMed 0.00002.

Submissions (2):

PreventionGenetics, part of Exact Sciences
Classification: Uncertain significance for KIF1A-related condition. Last evaluated: 2025-12-30. Review status: criteria provided, single submitter. Criteria: ACMG Guidelines, 2015. Collection method: clinical testing. Allele origin: germline.
Comment: The KIF1A c.65G>A variant is predicted to result in the amino acid substitution p.Arg22His. To our knowledge, this variant has not been reported in the literature. This variant is reported in 0.0056% of alleles in individuals of East Asian descent in gnomAD. At this time, the clinical significance of this variant is uncertain due to the absence of conclusive functional and genetic evidence.

Labcorp Genetics (formerly Invitae), Labcorp
Classification: Uncertain significance for Hereditary spastic paraplegia 30; Neuropathy, hereditary sensory, type 2C; Intellectual disability, autosomal dominant 9. Last evaluated: 2025-09-14. Review status: criteria provided, single submitter. Criteria: Invitae Variant Classification Sherloc (09022015). Collection method: clinical testing. Allele origin: germline.
Comment: This sequence change replaces arginine, which is basic and polar, with histidine, which is basic and polar, at codon 22 of the KIF1A protein (p.Arg22His). This variant is present in population databases (rs761521912, gnomAD 0.006%). This variant has not been reported in the literature in individuals affected with KIF1A-related conditions. ClinVar contains an entry for this variant (Variation ID: 662604). Invitae Evidence Modeling of protein sequence and biophysical properties (such as structural, functional, and spatial information, amino acid conservation, physicochemical variation, residue mobility, and thermodynamic stability) indicates that this missense variant is expected to disrupt KIF1A protein function with a positive predictive value of 95%. In summary, the available evidence is currently insufficient to determine the role of this variant in disease. Therefore, it has been classified as a Variant of Uncertain Significance.